The following is an entry in ClinVar:

NM_182961.4(SYNE1):c.5291T>C (p.Val1764Ala)

Gene: SYNE1 (spectrin repeat containing nuclear envelope protein 1; minus strand). Cytogenetic location: 6q25.2.
Variant type: single nucleotide variant.
Coding change: c.5291T>C on transcript NM_182961.4 (MANE Select); coding-DNA position 5291, T replaced by C.
Protein change: p.Val1764Ala; replaces valine 1764 with alanine.
Molecular consequence: missense variant.
Genome position (GRCh38, 1-based): chr6:152,419,699, A>G on the plus strand (T>C on the coding strand, the complement: SYNE1 is on the minus strand). VCF-style: chr6-152419699-A-G. GRCh37 (hg19) VCF-style: chr6-152740834-A-G.
Other names: c.5312T>C, p.Val1771Ala (NM_033071.5); short protein forms V1771A, V1764A.
Identifiers: ClinVar variation 1428856 (VCV001428856.7), dbSNP rs761352115, ClinGen allele CA4058316.

ClinVar aggregate classification (germline): Uncertain significance (1 of 4 stars; one submission).

Conditions:
Emery-Dreifuss muscular dystrophy 4, autosomal dominant (EDMD4). Also called: EMERY-DREIFUSS MUSCULAR DYSTROPHY 4 WITH VARIABLE FEATURES. Identifiers: Orphanet 261, MedGen C2751807, MONDO:0013071, OMIM 612998.
Autosomal recessive ataxia, Beauce type. Also called: Spinocerebellar ataxia, autosomal recessive 8; ATAXIA, RECESSIVE, OF BEAUCE; SYNE1 Deficiency; SYNE1-Related Autosomal Recessive Cerebellar Ataxia. Identifiers: Orphanet 88644, MedGen C1853116, MONDO:0012549, OMIM 610743.

Allele frequency attached by ClinVar (database versions not stated): gnomAD 0.00001; ExAC 0.00002; gnomAD exomes 0.00002 and 0.00003; TOPMed 0.00002.
gnomAD v4.1: 10 of 1,614,012 alleles (0.00062%); highest among the groups gnomAD compares: Admixed American, 0.017%; no homozygotes.

Submission:

Labcorp Genetics (formerly Invitae), Labcorp
Classification: Uncertain significance for Emery-Dreifuss muscular dystrophy 4, autosomal dominant; Autosomal recessive ataxia, Beauce type. Last evaluated: 2024-10-24. Review status: criteria provided, single submitter. Criteria: Invitae Variant Classification Sherloc (09022015). Collection method: clinical testing. Allele origin: germline.
Comment: This sequence change replaces valine, which is neutral and non-polar, with alanine, which is neutral and non-polar, at codon 1771 of the SYNE1 protein (p.Val1771Ala). This variant is present in population databases (rs761352115, gnomAD 0.02%). This variant has not been reported in the literature in individuals affected with SYNE1-related conditions. ClinVar contains an entry for this variant (Variation ID: 1428856). An algorithm developed to predict the effect of missense changes on protein structure and function outputs the following: PolyPhen-2: "Benign". The alanine amino acid residue is found in multiple mammalian species, which suggests that this missense change does not adversely affect protein function. In summary, the available evidence is currently insufficient to determine the role of this variant in disease. Therefore, it has been classified as a Variant of Uncertain Significance.